The following is an entry in ClinVar:

NM_018344.6(SLC29A3):c.707C>T (p.Thr236Met)

Gene: SLC29A3 (solute carrier family 29 member 3; plus strand). Cytogenetic location: 10q22.1.
Variant type: single nucleotide variant.
Coding change: c.707C>T on transcript NM_018344.6 (MANE Select); coding-DNA position 707, C replaced by T.
Protein change: p.Thr236Met; replaces threonine 236 with methionine.
Molecular consequence: missense variant. On other transcripts: non-coding transcript variant (2).
Genome position (GRCh38, 1-based): chr10:71,356,177, C>T. VCF-style: chr10-71356177-C-T. GRCh37 (hg19) VCF-style: chr10-73115934-C-T.
Other names: c.707C>T, p.Thr236Met (NM_001174098.2); c.473C>T, p.Thr158Met (NM_001363518.2); short protein forms T236M, T158M.
Identifiers: ClinVar variation 576880 (VCV000576880.13), dbSNP rs147552838, ClinGen allele CA5543025.

ClinVar aggregate classification (germline): Conflicting classifications of pathogenicity. Review status: criteria provided, conflicting classifications (1 of 4 stars). 8 submissions from 8 submitters: Uncertain significance (7); Likely benign (1). Last evaluated 2026-02-12.

Conditions:
H syndrome. Also called: Pigmented hypertrichosis and insulin-dependent diabetes mellitus; FAISALABAD HISTIOCYTOSIS; Histiocytosis with joint contractures and sensorineural deafness; HISTIOCYTOSIS AND LYMPHADENOPATHY WITH OR WITHOUT CUTANEOUS, CARDIAC, AND/OR ENDOCRINE FEATURES, JOINT CONTRACTURES, AND/OR DEAFNESS; HYPERPIGMENTATION, CUTANEOUS, WITH HYPERTRICHOSIS, HEPATOSPLENOMEGALY, HEART ANOMALIES, AND HYPOGONADISM WITH OR WITHOUT HEARING LOSS; PIGMENTED HYPERTRICHOSIS WITH INSULIN-DEPENDENT DIABETES MELLITUS. Identifiers: Orphanet 168569, MedGen C1864445, MONDO:0011273, OMIM 602782.
Syndromic Monogenic Diabetes.

Allele frequency attached by ClinVar (database versions not stated): TOPMed 0.00026; gnomAD 0.00029 and 0.00032; gnomAD exomes 0.00034; ExAC 0.00038; ESP Exome Variant Server 0.00054; 1000 Genomes Project 30x 0.00078; 1000 Genomes Project 0.00100.
gnomAD v4.1: 499 of 1,614,126 alleles (0.031%); highest among the groups gnomAD compares: South Asian, 0.1%; no homozygotes.

Submissions (8):

Women's Health and Genetics/Laboratory Corporation of America, LabCorp
Classification: Uncertain significance. Last evaluated: 2026-02-12. Review status: criteria provided, single submitter. Criteria: LabCorp Variant Classification Summary - May 2015. Collection method: clinical testing. Allele origin: germline.
Comment: Variant summary: SLC29A3 c.707C>T (p.Thr236Met) results in a non-conservative amino acid change in the encoded protein sequence. Algorithms developed to predict the effect of missense changes on protein structure and function are either unavailable or do not agree on the potential impact of this missense change. The variant allele was found at a frequency of 0.00031 in 1607152 control chromosomes, predominantly at a frequency of 0.001 within the South Asian subpopulation in the gnomAD database. This frequency is somewhat lower than the maximum estimated for disease-causing variants in SLC29A3, allowing no clear conclusions about variant significance. c.707C>T has been observed in a homozygous individual affected with neutrophilic dermatosis and hyperferritinemia, who did not show the cardinal features of SLC29A3-related disorders (Alansari_2023). These report(s) do not provide unequivocal conclusions about association of the variant with H Syndrome. To our knowledge, no experimental evidence demonstrating an impact on protein function has been reported. The following publications have been ascertained in the context of this evaluation (PMID: 37483481, 38641907). ClinVar contains an entry for this variant (Variation ID: 576880). Based on the evidence outlined above, the variant was classified as uncertain significance.

Genomic Medicine Center of Excellence, King Faisal Specialist Hospital and Research Centre
Classification: Uncertain significance for Syndromic Monogenic Diabetes. Last evaluated: 2026-01-01. Review status: criteria provided, single submitter. Criteria: ACMG Guidelines, 2015. Collection method: clinical testing. Allele origin: germline. Affected: yes.

Blueprint Genetics
Classification: Uncertain significance. Last evaluated: 2024-11-13. Review status: criteria provided, single submitter. Criteria: ACMG Guidelines, 2015. Collection method: clinical testing. Allele origin: germline.

3billion
Classification: Likely benign for H syndrome. Last evaluated: 2024-09-20. Review status: criteria provided, single submitter. Criteria: ACMG Guidelines, 2015. Collection method: clinical testing. Allele origin: germline. Affected: no.
Comment: The homozygous variant was found in patients diagnosed with another variant in a different gene, with no symptoms related to the gene containing the homozygous variant.

Labcorp Genetics (formerly Invitae), Labcorp
Classification: Uncertain significance for H syndrome. Last evaluated: 2022-10-25. Review status: criteria provided, single submitter. Criteria: Invitae Variant Classification Sherloc (09022015). Collection method: clinical testing. Allele origin: germline.
Comment: This sequence change replaces threonine, which is neutral and polar, with methionine, which is neutral and non-polar, at codon 236 of the SLC29A3 protein (p.Thr236Met). This variant is present in population databases (rs147552838, gnomAD 0.09%). This variant has not been reported in the literature in individuals affected with SLC29A3-related conditions. ClinVar contains an entry for this variant (Variation ID: 576880). Advanced modeling of protein sequence and biophysical properties (such as structural, functional, and spatial information, amino acid conservation, physicochemical variation, residue mobility, and thermodynamic stability) performed at Invitae indicates that this missense variant is not expected to disrupt SLC29A3 protein function. In summary, the available evidence is currently insufficient to determine the role of this variant in disease. Therefore, it has been classified as a Variant of Uncertain Significance.

GeneDx
Classification: Uncertain significance. Last evaluated: 2022-03-14. Review status: criteria provided, single submitter. Criteria: GeneDx Variant Classification Process June 2021. Collection method: clinical testing. Allele origin: germline. Affected: yes.
Comment: Has not been previously published as pathogenic or benign to our knowledge; In silico analysis supports that this missense variant has a deleterious effect on protein structure/function

Fulgent Genetics
Classification: Uncertain significance for H syndrome. Last evaluated: 2021-07-24. Review status: criteria provided, single submitter. Criteria: ACMG Guidelines, 2015. Collection method: clinical testing. Allele origin: unknown.

Baylor Genetics
Classification: Uncertain significance for H syndrome. Last evaluated: 2019-09-09. Review status: criteria provided, single submitter. Criteria: ACMG Guidelines, 2015. Collection method: clinical testing. Allele origin: unknown. Affected: yes.
Comment: This variant was determined to be of uncertain significance according to ACMG Guidelines, 2015 [PMID:25741868].

Literature cited by the submitters: PubMed 37483481 (cited by Women's Health and Genetics/Laboratory Corporation of America, LabCorp); PubMed 38641907 (cited by Women's Health and Genetics/Laboratory Corporation of America, LabCorp).